The following is an entry in ClinVar:

NM_000138.5(FBN1):c.5912G>A (p.Cys1971Tyr)

Gene: FBN1 (fibrillin 1; minus strand). Cytogenetic location: 15q21.1.
Variant type: single nucleotide variant.
Coding change: c.5912G>A on transcript NM_000138.5 (MANE Select); coding-DNA position 5912, G replaced by A.
Protein change: p.Cys1971Tyr; replaces cysteine 1971 with tyrosine.
Molecular consequence: missense variant.
Genome position (GRCh38, 1-based): chr15:48,445,381, C>T on the plus strand (G>A on the coding strand, the complement: FBN1 is on the minus strand). VCF-style: chr15-48445381-C-T. GRCh37 (hg19) VCF-style: chr15-48737578-C-T.
Other names: short protein forms C1971Y.
Identifiers: ClinVar variation 549316 (VCV000549316.4), dbSNP rs111239111, ClinGen allele CA392339930.

ClinVar aggregate classification (germline): Likely pathogenic. Review status: criteria provided, multiple submitters, no conflicts (2 of 4 stars). 3 submissions from 3 submitters: Likely pathogenic (2). 1 of the submissions does not count toward it. Last evaluated 2021-04-07.

Conditions:
Familial thoracic aortic aneurysm and aortic dissection (TAAD). Also called: Thoracic aortic aneurysms and dissections. Identifiers: Orphanet 91387, MedGen C4707243, MONDO:0019625.
Marfan syndrome (MFS). Also called: Marfan syndrome type 1; Marfan syndrome, classic; Marfan's syndrome; FBN1-Related Marfan Syndrome; MARFAN SYNDROME, TYPE I. Identifiers: Orphanet 284963, Orphanet 558, MedGen C0024796, MONDO:0007947, OMIM 154700.
FBN1-related disorder. Also called: FBN1-related disorders.

Submissions (3):

Blueprint Genetics
Classification: Likely pathogenic for FBN1-related disorders. Last evaluated: 2021-04-07. Review status: criteria provided, single submitter. Criteria: ACMG Guidelines, 2015. Collection method: clinical testing. Allele origin: germline. Affected: yes. Observed: 1 variant allele.

Ambry Genetics
Classification: Likely pathogenic for Familial thoracic aortic aneurysm and aortic dissection. Last evaluated: 2019-09-05. Review status: criteria provided, single submitter. Criteria: Ambry Variant Classification Scheme 2023. Collection method: clinical testing. Allele origin: germline.
Comment: The p.C1971Y variant (also known as c.5912G>A), located in coding exon 47 of the FBN1 gene, results from a G to A substitution at nucleotide position 5912. The cysteine at codon 1971 is replaced by tyrosine, an amino acid with highly dissimilar properties, and is located in the cbEGF domain #29. The majority of FBN1 mutations identified to date have involved the substitution or generation of cysteine residues within cbEGF domains (Vollbrandt T et al. J Biol Chem. 2004;279(31):32924-32931). This variant has been reported in individuals with Marfan syndrome and Marfan-like findings (Loeys B et al. Arch. Intern. Med., 2001 Nov;161:2447-54; Gardella R et al. Clin. Exp. Dermatol., 2001 Nov;26:710-3). Based on internal structural assessment, this alteration eliminates a structurally critical disulfide in the structurally sensitive cbEGF domain #29.This amino acid position is highly conserved in available vertebrate species. In addition, this alteration is predicted to be deleterious by in silico analysis. Based on the majority of available evidence to date, this variant is likely to be pathogenic.

Center for Medical Genetics Ghent, University of Ghent
Classification: Likely pathogenic for Marfan syndrome. Last evaluated: 2017-11-07. Review status: no assertion criteria provided. Collection method: clinical testing. Allele origin: germline. Affected: yes. Not counted in ClinVar's aggregate classification.

Literature cited by the submitters: PubMed 11700157 (cited by Ambry Genetics); PubMed 11722462 (cited by Ambry Genetics).